The following is an entry in ClinVar:

ClinVar aggregate classification (germline): Uncertain significance (1 of 4 stars; one submission).

Conditions:
Hereditary breast ovarian cancer syndrome. Also called: Breast and ovarian cancer; BRCA1- and BRCA2-Associated Hereditary Breast and Ovarian Cancer; Hereditary breast and ovarian cancer; Hereditary breast and/or ovarian cancer syndrome; Hereditary breast and ovarian cancer syndrome; Hereditary breast and ovarian cancer syndrome (HBOC). Identifiers: Orphanet 145, MedGen C0677776, MeSH D061325, MONDO:0003582. Disease mechanism: loss of function.

Submission:

Labcorp Genetics (formerly Invitae), Labcorp
Classification: Uncertain significance for Hereditary breast ovarian cancer syndrome. Last evaluated: 2023-10-25. Review status: criteria provided, single submitter. Criteria: Invitae Variant Classification Sherloc (09022015). Collection method: clinical testing. Allele origin: germline.
Comment: This sequence change replaces glutamic acid, which is acidic and polar, with lysine, which is basic and polar, at codon 2193 of the BRCA2 protein (p.Glu2193Lys). This variant is not present in population databases (gnomAD no frequency). This missense change has been observed in individual(s) with breast cancer (PMID: 29409476). Advanced modeling of protein sequence and biophysical properties (such as structural, functional, and spatial information, amino acid conservation, physicochemical variation, residue mobility, and thermodynamic stability) performed at Invitae indicates that this missense variant is not expected to disrupt BRCA2 protein function with a negative predictive value of 95%. In summary, the available evidence is currently insufficient to determine the role of this variant in disease. Therefore, it has been classified as a Variant of Uncertain Significance.

Literature cited by the submitters: PubMed 29409476.

NM_000059.4(BRCA2):c.6577G>A (p.Glu2193Lys)

Gene: BRCA2 (BRCA2 DNA repair associated; plus strand). Cytogenetic location: 13q13.1.
Variant type: single nucleotide variant.
Coding change: c.6577G>A on transcript NM_000059.4 (MANE Select); coding-DNA position 6577, G replaced by A.
Protein change: p.Glu2193Lys; replaces glutamic acid 2193 with lysine.
Molecular consequence: missense variant. On other transcripts: non-coding transcript variant (1), intron variant (2).
Genome position (GRCh38, 1-based): chr13:32,340,932, G>A. VCF-style: chr13-32340932-G-A. GRCh37 (hg19) VCF-style: chr13-32915069-G-A.
Other names: c.6577G>A, p.Glu2193Lys (NM_001406719.1, NM_001406720.1); c.1910-3626G>A (NM_001406721.1); c.425-3626G>A (NM_001406722.1); short protein forms E2193K.
Identifiers: ClinVar variation 2910335 (VCV002910335.3), dbSNP rs2137528721, ClinGen allele CA387789940.